The following is an entry in ClinVar:

ClinVar aggregate classification (germline): Uncertain significance (1 of 4 stars; one submission).

Submission:

Greenwood Genetic Center Diagnostic Laboratories, Greenwood Genetic Center
Classification: Uncertain significance. Last evaluated: 2025-02-27. Review status: criteria provided, single submitter. Criteria: ACMG Guidelines, 2015. Collection method: clinical testing. Allele origin: germline.
Comment: PM2, BP4, PP2

NM_006766.5(KAT6A):c.3233A>T (p.Glu1078Val)

Gene: KAT6A (lysine acetyltransferase 6A; minus strand). Cytogenetic location: 8p11.21.
Variant type: single nucleotide variant.
Coding change: c.3233A>T on transcript NM_006766.5 (MANE Select); coding-DNA position 3233, A replaced by T.
Protein change: p.Glu1078Val; replaces glutamic acid 1078 with valine.
Molecular consequence: missense variant.
Genome position (GRCh38, 1-based): chr8:41,937,375, T>A on the plus strand (A>T on the coding strand, the complement: KAT6A is on the minus strand). VCF-style: chr8-41937375-T-A. GRCh37 (hg19) VCF-style: chr8-41794893-T-A.
Other names: short protein forms E1078V.
Identifiers: ClinVar variation 4851721 (VCV004851721.1).